The following is an entry in ClinVar:

ClinVar aggregate classification (germline): Uncertain significance. Review status: criteria provided, multiple submitters, no conflicts (2 of 4 stars). 3 submissions from 3 submitters: Uncertain significance (3). Last evaluated 2024-02-13.

Conditions:
Focal segmental glomerulosclerosis 6 (FSGS6). Identifiers: Orphanet 656, MedGen C3279905, MONDO:0013589, OMIM 614131.

Allele frequency attached by ClinVar (database versions not stated): ESP Exome Variant Server 0.00008; ExAC 0.00004; gnomAD 0.00016 and 0.00013; TOPMed 0.00014.
gnomAD v4.1: 51 of 1,614,098 alleles (0.0032%); highest among the groups gnomAD compares: African/African-American, 0.045%; no homozygotes.

Submissions (3):

Fulgent Genetics
Classification: Uncertain significance for Focal segmental glomerulosclerosis 6. Last evaluated: 2024-02-13. Review status: criteria provided, single submitter. Criteria: ACMG Guidelines, 2015. Collection method: clinical testing. Allele origin: germline.

Genetic Services Laboratory, University of Chicago
Classification: Uncertain significance. Last evaluated: 2023-03-31. Review status: criteria provided, single submitter. Criteria: ACMG Guidelines, 2015. Collection method: clinical testing. Allele origin: germline. Affected: no.
Comment: DNA sequence analysis of the MYO1E gene demonstrated a sequence change, c.1999G>A, in exon 19 that results in an amino acid change, p.Asp667Asn. This sequence change has been described in the gnomAD database with a frequency of 0.04% in the African/African American subpopulation (dbSNP rs368888160). The p.Asp667Asn change affects a highly conserved amino acid residue located in a domain of the MYO1E protein that is known to be functional. In-silico pathogenicity prediction tools (SIFT, PolyPhen2, Align GVGD, REVEL) provide contradictory results for the p.Asp667Asn substitution. This sequence change does not appear to have been previously described in individuals with MYO1E-related disorders. Due to insufficient evidence and the lack of functional studies, the clinical significance of the p.Asp667Asn change remains unknown at this time.

Eurofins Ntd Llc (ga)
Classification: Uncertain significance. Last evaluated: 2017-04-07. Review status: criteria provided, single submitter. Criteria: EGL Classification Definitions 2015. Collection method: clinical testing. Allele origin: germline. Observed: 1 variant allele, 1 heterozygote.

NM_004998.4(MYO1E):c.1999G>A (p.Asp667Asn)

Gene: MYO1E (myosin IE; minus strand). Cytogenetic location: 15q22.2.
Variant type: single nucleotide variant.
Coding change: c.1999G>A on transcript NM_004998.4 (MANE Select); coding-DNA position 1999, G replaced by A.
Protein change: p.Asp667Asn; replaces aspartic acid 667 with asparagine.
Molecular consequence: missense variant.
Genome position (GRCh38, 1-based): chr15:59,178,443, C>T on the plus strand (G>A on the coding strand, the complement: MYO1E is on the minus strand). VCF-style: chr15-59178443-C-T. GRCh37 (hg19) VCF-style: chr15-59470642-C-T.
Other names: c.1999G>A (NM_004998.3); short protein forms D667N.
Identifiers: ClinVar variation 501127 (VCV000501127.9), dbSNP rs368888160, ClinGen allele CA7589401.
Genomic context (GRCh38, chr15:59,178,443, plus strand): 5'-AAGCACTCACAGACTCGGGGGCTTTGATGAACACTTTACTCCTCCCCAGCTGGAACTGGT[C>T]GCTGTCCATGTTGACCGACTGCAGCAGGTGCAGGACGCCTTGCTTCTCCTCTCCCTGCCA-3'
Protein context (NP_004989.2, residues 657-677): HLLQSVNMDS[Asp667Asn]QFQLGRSKVF